The following is an entry in ClinVar:

ClinVar aggregate classification (germline): Uncertain significance (1 of 4 stars; one submission).

Conditions:
Aortic aneurysm, familial thoracic 4 (AAT4). Also called: AORTIC ANEURYSM/AORTIC DISSECTION AND PATENT DUCTUS ARTERIOSUS. Identifiers: MedGen C1851504, MONDO:0007568, OMIM 132900.

gnomAD v4.1: 2 of 1,614,188 alleles (0.00012%); highest among the groups gnomAD compares: Non-Finnish European, 0.00017%; no homozygotes.

Submission:

Labcorp Genetics (formerly Invitae), Labcorp
Classification: Uncertain significance for Aortic aneurysm, familial thoracic 4. Last evaluated: 2025-04-02. Review status: criteria provided, single submitter. Criteria: Invitae Variant Classification Sherloc (09022015). Collection method: clinical testing. Allele origin: germline.
Comment: This sequence change replaces asparagine, which is neutral and polar, with lysine, which is basic and polar, at codon 838 of the MYH11 protein (p.Asn838Lys). This variant is not present in population databases (gnomAD no frequency). This variant has not been reported in the literature in individuals affected with MYH11-related conditions. Invitae Evidence Modeling of protein sequence and biophysical properties (such as structural, functional, and spatial information, amino acid conservation, physicochemical variation, residue mobility, and thermodynamic stability) indicates that this missense variant is not expected to disrupt MYH11 protein function with a negative predictive value of 95%. In summary, the available evidence is currently insufficient to determine the role of this variant in disease. Therefore, it has been classified as a Variant of Uncertain Significance.

NM_002474.3(MYH11):c.2493C>G (p.Asn831Lys)

Gene: MYH11 (myosin heavy chain 11; minus strand). Cytogenetic location: 16p13.11.
Variant type: single nucleotide variant.
Coding change: c.2493C>G on transcript NM_002474.3 (MANE Select); coding-DNA position 2493, C replaced by G.
Protein change: p.Asn831Lys; replaces asparagine 831 with lysine.
Molecular consequence: missense variant.
Genome position (GRCh38, 1-based): chr16:15,745,156, G>C on the plus strand (C>G on the coding strand, the complement: MYH11 is on the minus strand). VCF-style: chr16-15745156-G-C. GRCh37 (hg19) VCF-style: chr16-15839013-G-C.
Other names: c.2514C>G, p.Asn838Lys (NM_001040113.2, NM_001040114.2); c.2493C>G, p.Asn831Lys (NM_022844.3); short protein forms N838K, N831K.
Identifiers: ClinVar variation 4754119 (VCV004754119.1).